The following is an entry in ClinVar:

NM_004446.3(EPRS1):c.1878T>G (p.Tyr626Ter)

Gene: EPRS1 (glutamyl-prolyl-tRNA synthetase 1; minus strand). Cytogenetic location: 1q41.
Variant type: single nucleotide variant.
Coding change: c.1878T>G on transcript NM_004446.3 (MANE Select); coding-DNA position 1878, T replaced by G.
Protein change: p.Tyr626Ter; replaces tyrosine 626 with a stop codon.
Molecular consequence: nonsense.
Genome position (GRCh38, 1-based): chr1:220,006,178, A>C on the plus strand (T>G on the coding strand, the complement: EPRS1 is on the minus strand). VCF-style: chr1-220006178-A-C. GRCh37 (hg19) VCF-style: chr1-220179520-A-C.
Other names: short protein forms Y626*.
Identifiers: ClinVar variation 2761389 (VCV002761389.3), dbSNP rs41274786, ClinGen allele CA344614439.

ClinVar aggregate classification (germline): Pathogenic (1 of 4 stars; one submission).

gnomAD v4.1: 4 of 1,602,344 alleles (0.00025%); highest among the groups gnomAD compares: Non-Finnish European, 0.00034%; no homozygotes.

Submission:

Labcorp Genetics (formerly Invitae), Labcorp
Classification: Pathogenic. Last evaluated: 2024-10-24. Review status: criteria provided, single submitter. Criteria: Invitae Variant Classification Sherloc (09022015). Collection method: clinical testing. Allele origin: germline.
Comment: This sequence change creates a premature translational stop signal (p.Tyr626*) in the EPRS gene. It is expected to result in an absent or disrupted protein product. Loss-of-function variants in EPRS are known to be pathogenic (PMID: 29576217). This variant is present in population databases (no rsID available, gnomAD 0.007%). This variant has not been reported in the literature in individuals affected with EPRS-related conditions. For these reasons, this variant has been classified as Pathogenic.

Literature cited by the submitters: PubMed 29576217.